The following is an entry in ClinVar:

ClinVar aggregate classification (germline): Conflicting classifications of pathogenicity. Review status: criteria provided, conflicting classifications (1 of 4 stars). 5 submissions from 5 submitters: Likely pathogenic (1); Uncertain significance (3). 1 of the submissions does not count toward it. Last evaluated 2024-03-28.

Conditions:
Leber congenital amaurosis (LCA). Also called: Leber's amaurosis. Identifiers: Orphanet 65, MedGen C0339527, MeSH D057130, MONDO:0018998.
Retinitis pigmentosa 20 (RP20). Identifiers: Orphanet 791, MedGen C3151086, MONDO:0013425, OMIM 613794.
Leber congenital amaurosis 2 (LCA2). Also called: Autosomal Recessive RPE65-Related Retinal Degeneration; AMAUROSIS CONGENITA OF LEBER II. Identifiers: Orphanet 65, MedGen C1859844, MONDO:0008765, OMIM 204100. Disease mechanism: loss of function.
RPE65-related disorder. Also called: RPE65-related condition; RPE65-related disorders. Identifiers: MedGen CN239301.
Retinitis pigmentosa 87 with choroidal involvement. Identifiers: MedGen C5231465, MONDO:0032873, OMIM 618697.

Allele frequency attached by ClinVar (database versions not stated): gnomAD 0.00001; gnomAD exomes 0.00001 and 0.00002; TOPMed 0.00002; ExAC 0.00003; 1000 Genomes Project 30x 0.00016; 1000 Genomes Project 0.00020.
gnomAD v4.1: 24 of 1,613,744 alleles (0.0015%); highest among the groups gnomAD compares: South Asian, 0.0022%; no homozygotes.

Submissions (5):

Revvity Omics, Revvity
Classification: Uncertain significance. Last evaluated: 2024-03-28. Review status: criteria provided, single submitter. Criteria: ACMG Guidelines, 2015. Collection method: clinical testing. Allele origin: germline.

Blueprint Genetics
Classification: Likely pathogenic for RPE65-related disorders. Last evaluated: 2023-06-15. Review status: criteria provided, single submitter. Criteria: ACMG Guidelines, 2015. Collection method: clinical testing. Allele origin: germline. Affected: yes. Observed: 5 variant alleles.

Labcorp Genetics (formerly Invitae), Labcorp
Classification: Uncertain significance for Leber congenital amaurosis 2; Retinitis pigmentosa 20. Last evaluated: 2022-02-04. Review status: criteria provided, single submitter. Criteria: Invitae Variant Classification Sherloc (09022015). Collection method: clinical testing. Allele origin: germline.
Comment: This sequence change replaces arginine, which is basic and polar, with glutamine, which is neutral and polar, at codon 515 of the RPE65 protein (p.Arg515Gln). This variant is present in population databases (rs559975684, gnomAD 0.003%). This variant has not been reported in the literature in individuals affected with RPE65-related conditions. ClinVar contains an entry for this variant (Variation ID: 1052287). Algorithms developed to predict the effect of missense changes on protein structure and function are either unavailable or do not agree on the potential impact of this missense change (SIFT: "Deleterious"; PolyPhen-2: "Probably Damaging"; Align-GVGD: "Class C0"). This variant disrupts the p.Arg515 amino acid residue in RPE65. Other variant(s) that disrupt this residue have been determined to be pathogenic (PMID: 15557452, 25752820, 26906952, 29681726, 31273949). This suggests that this residue is clinically significant, and that variants that disrupt this residue are likely to be disease-causing. In summary, the available evidence is currently insufficient to determine the role of this variant in disease. Therefore, it has been classified as a Variant of Uncertain Significance.

Juno Genomics, Hangzhou Juno Genomics, Inc
Classification: Uncertain significance for Leber congenital amaurosis 2; Retinitis pigmentosa 20; Retinitis pigmentosa 87 with choroidal involvement. Review status: criteria provided, single submitter. Criteria: ACMG Guidelines, 2015. Collection method: clinical testing. Allele origin: germline. Affected: yes.
Comment: Absent from controls (or at extremely low frequency if recessive) in Genome Aggregation Database, Exome Sequencing Project, 1000 Genomes Project, or Exome Aggregation Consortium.;Patient's phenotype or family history is highly specific for a disease with a single genetic etiology.;Multiple lines of computational evidence support a deleterious effect on the gene or gene product (conservation, evolutionary, splicing impact, etc).

Natera, Inc.
Classification: Uncertain significance for Leber congenital amaurosis. Last evaluated: 2020-03-24. Review status: no assertion criteria provided. Collection method: clinical testing. Allele origin: germline. Not counted in ClinVar's aggregate classification.

Literature cited by the submitters: PubMed 15557452 (cited by Labcorp Genetics (formerly Invitae), Labcorp); PubMed 25752820 (cited by Labcorp Genetics (formerly Invitae), Labcorp); PubMed 26906952 (cited by Labcorp Genetics (formerly Invitae), Labcorp); PubMed 29681726 (cited by Labcorp Genetics (formerly Invitae), Labcorp); PubMed 31273949 (cited by Labcorp Genetics (formerly Invitae), Labcorp).

NM_000329.3(RPE65):c.1544G>A (p.Arg515Gln)

Gene: RPE65 (retinoid isomerohydrolase RPE65; minus strand). Cytogenetic location: 1p31.3.
Variant type: single nucleotide variant.
Coding change: c.1544G>A on transcript NM_000329.3 (MANE Select); coding-DNA position 1544, G replaced by A.
Protein change: p.Arg515Gln; replaces arginine 515 with glutamine.
Molecular consequence: missense variant.
Genome position (GRCh38, 1-based): chr1:68,429,834, C>T on the plus strand (G>A on the coding strand, the complement: RPE65 is on the minus strand). VCF-style: chr1-68429834-C-T. GRCh37 (hg19) VCF-style: chr1-68895517-C-T.
Other names: short protein forms R515Q.
Identifiers: ClinVar variation 1052287 (VCV001052287.7), dbSNP rs559975684, ClinGen allele CA902134.